The following is an entry in ClinVar:

ClinVar aggregate classification (germline): Uncertain significance (1 of 4 stars; one submission).

Conditions:
Familial thoracic aortic aneurysm and aortic dissection (TAAD). Also called: Thoracic aortic aneurysms and dissections. Identifiers: Orphanet 91387, MedGen C4707243, MONDO:0019625.
Hereditary cancer-predisposing syndrome. Also called: Neoplastic Syndromes, Hereditary; Tumor predisposition; Hereditary neoplastic syndrome; Hereditary Cancer Syndrome. Identifiers: Orphanet 140162, MedGen C0027672, MeSH D009386, MONDO:0015356.

Submission:

Ambry Genetics
Classification: Uncertain significance for Hereditary cancer-predisposing syndrome; Familial thoracic aortic aneurysm and aortic dissection. Last evaluated: 2025-05-27. Review status: criteria provided, single submitter. Criteria: Ambry Variant Classification Scheme 2023. Collection method: clinical testing. Allele origin: germline.
Comment: The p.T265S variant (also known as c.793A>T), located in coding exon 6 of the SMAD4 gene, results from an A to T substitution at nucleotide position 793. The threonine at codon 265 is replaced by serine, an amino acid with similar properties. This amino acid position is conserved. In addition, this alteration is predicted to be tolerated by in silico analysis. Based on the available evidence, the clinical significance of this variant remains unclear.

NM_005359.6(SMAD4):c.793A>T (p.Thr265Ser)

Gene: SMAD4 (SMAD family member 4; plus strand). Cytogenetic location: 18q21.2.
Variant type: single nucleotide variant.
Coding change: c.793A>T on transcript NM_005359.6 (MANE Select); coding-DNA position 793, A replaced by T.
Protein change: p.Thr265Ser; replaces threonine 265 with serine.
Molecular consequence: missense variant. On other transcripts: non-coding transcript variant (2).
Genome position (GRCh38, 1-based): chr18:51,058,345, A>T. VCF-style: chr18-51058345-A-T. GRCh37 (hg19) VCF-style: chr18-48584715-A-T.
Other names: c.793A>T, p.Thr265Ser (NM_001407041.1, NM_001407042.1, NM_001407043.1); short protein forms T265S.
Identifiers: ClinVar variation 4045968 (VCV004045968.1).